The following is an entry in ClinVar:

ClinVar aggregate classification (germline): Likely pathogenic. Review status: criteria provided, multiple submitters, no conflicts (2 of 4 stars). 2 submissions from 2 submitters: Likely pathogenic (2). Last evaluated 2023-04-10.

Conditions:
Charlevoix-Saguenay spastic ataxia (SACS). Also called: AUTOSOMAL RECESSIVE SPASTIC ATAXIA OF CHARLEVOIX-SAGUENAY; Spastic ataxia of Charlevoix-Saguenay; SPASTIC ATAXIA 6, AUTOSOMAL RECESSIVE. Identifiers: Orphanet 98, MedGen C1849140, MONDO:0010041, OMIM 270550.

Submissions (2):

Baylor Genetics
Classification: Likely pathogenic for Charlevoix-Saguenay spastic ataxia. Last evaluated: 2023-04-10. Review status: criteria provided, single submitter. Criteria: ACMG Guidelines, 2015. Collection method: clinical testing. Allele origin: unknown.

Myriad Genetics, Inc.
Classification: Likely pathogenic for Charlevoix-Saguenay spastic ataxia. Last evaluated: 2022-04-04. Review status: criteria provided, single submitter. Criteria: Myriad Women's Health Autosomal Recessive and X-Linked Classification Criteria (2021). Collection method: clinical testing. Allele origin: unknown.
Comment: NM_014363.4(SACS):c.1807A>T(K603*) is expected to be pathogenic in the context of autosomal recessive spastic ataxia of Charlevoix-Saguenay. This variant is predicted to lead to an abnormal or absent protein product due to the creation of a premature termination codon in SACS, a gene where loss-of-function variants are known to be pathogenic. Please note: this variant was assessed in the context of healthy population screening.

NM_014363.6(SACS):c.1807A>T (p.Lys603Ter)

Gene: SACS (sacsin molecular chaperone; minus strand). Cytogenetic location: 13q12.12.
Variant type: single nucleotide variant.
Coding change: c.1807A>T on transcript NM_014363.6 (MANE Select); coding-DNA position 1807, A replaced by T.
Protein change: p.Lys603Ter; replaces lysine 603 with a stop codon.
Molecular consequence: nonsense.
Genome position (GRCh38, 1-based): chr13:23,354,805, T>A on the plus strand (A>T on the coding strand, the complement: SACS is on the minus strand). VCF-style: chr13-23354805-T-A. GRCh37 (hg19) VCF-style: chr13-23928944-T-A.
Other names: c.1366A>T, p.Lys456Ter (NM_001278055.2); short protein forms K456*, K603*.
Identifiers: ClinVar variation 1723901 (VCV001723901.3), dbSNP rs983822008, ClinGen allele CA387546378.